The following is an entry in ClinVar:

ClinVar aggregate classification (germline): Likely benign. Review status: criteria provided, multiple submitters, no conflicts (2 of 4 stars). 2 submissions from 2 submitters: Likely benign (2). Last evaluated 2026-04-05.

Conditions:
Kabuki syndrome. Also called: Kabuki make-up syndrome; NIIKAWA-KUROKI SYNDROME. Identifiers: Orphanet 2322, MedGen C0796004, MONDO:0016512.
KMT2D-related disorder. Also called: KMT2D-Related Disorders.

gnomAD v4.1: 7 of 1,596,460 alleles (0.00044%); highest among the groups gnomAD compares: South Asian, 0.0011%; no homozygotes.

Submissions (2):

PreventionGenetics, part of Exact Sciences
Classification: Likely benign for KMT2D-related condition. Last evaluated: 2026-04-05. Review status: criteria provided, single submitter. Criteria: ACMG Guidelines, 2015. Collection method: clinical testing. Allele origin: germline.
Comment: This variant is classified as likely benign based on ACMG/AMP sequence variant interpretation guidelines (Richards et al. 2015 PMID: 25741868, with internal and published modifications).

Labcorp Genetics (formerly Invitae), Labcorp
Classification: Likely benign for Kabuki syndrome. Last evaluated: 2022-08-21. Review status: criteria provided, single submitter. Criteria: Invitae Variant Classification Sherloc (09022015). Collection method: clinical testing. Allele origin: germline.

NM_003482.4(KMT2D):c.9564G>A (p.Thr3188=)

Gene: KMT2D (lysine methyltransferase 2D; minus strand). Cytogenetic location: 12q13.12.
Variant type: single nucleotide variant.
Coding change: c.9564G>A on transcript NM_003482.4 (MANE Select); coding-DNA position 9564, G replaced by A.
Protein change: p.Thr3188=; no amino-acid change (threonine 3188 retained).
Molecular consequence: synonymous variant.
Genome position (GRCh38, 1-based): chr12:49,037,792, C>T on the plus strand (G>A on the coding strand, the complement: KMT2D is on the minus strand). VCF-style: chr12-49037792-C-T. GRCh37 (hg19) VCF-style: chr12-49431575-C-T.
Identifiers: ClinVar variation 847969 (VCV000847969.10), dbSNP rs1438467632, ClinGen allele CA479710099.